The following is an entry in ClinVar:

ClinVar aggregate classification (germline): Conflicting classifications of pathogenicity. Review status: criteria provided, conflicting classifications (1 of 4 stars). 5 submissions from 5 submitters: Uncertain significance (1); Likely benign (4). Last evaluated 2026-01-18.

Conditions:
Mowat-Wilson syndrome (MOWS). Also called: Classic Mowat-Wilson Syndrome. Identifiers: Orphanet 2152, MedGen C1856113, MONDO:0009341, OMIM 235730.

Allele frequency attached by ClinVar (database versions not stated): TOPMed 0.00002.
gnomAD v4.1: 102 of 1,614,044 alleles (0.0063%); highest among the groups gnomAD compares: Admixed American, 0.012%; no homozygotes.

Submissions (5):

Labcorp Genetics (formerly Invitae), Labcorp
Classification: Likely benign for Mowat-Wilson syndrome. Last evaluated: 2026-01-18. Review status: criteria provided, single submitter. Criteria: Invitae Variant Classification Sherloc (09022015). Collection method: clinical testing. Allele origin: germline.

Genome-Nilou Lab
Classification: Likely benign for Mowat-Wilson syndrome. Last evaluated: 2021-11-07. Review status: criteria provided, single submitter. Criteria: ACMG Guidelines, 2015. Collection method: clinical testing. Allele origin: germline. Affected: no.

GeneDx
Classification: Likely benign. Last evaluated: 2017-08-21. Review status: criteria provided, single submitter. Criteria: GeneDx Variant Classification (06012015). Collection method: clinical testing. Allele origin: germline. Affected: yes.
Comment: This variant is considered likely benign or benign based on one or more of the following criteria: it is a conservative change, it occurs at a poorly conserved position in the protein, it is predicted to be benign by multiple in silico algorithms, and/or has population frequency not consistent with disease.

Eurofins Ntd Llc (ga)
Classification: Uncertain significance. Last evaluated: 2016-09-23. Review status: criteria provided, single submitter. Criteria: EGL Classification Definitions 2015. Collection method: clinical testing. Allele origin: germline. Observed: 2 variant alleles, 2 heterozygotes.

Genetic Services Laboratory, University of Chicago
Classification: Likely benign. Last evaluated: 2014-10-02. Review status: criteria provided, single submitter. Criteria: ACMG Guidelines, 2015. Collection method: clinical testing. Allele origin: germline.

NM_014795.4(ZEB2):c.1542G>A (p.Pro514=)

Gene: ZEB2 (zinc finger E-box binding homeobox 2; minus strand). Cytogenetic location: 2q22.3.
Variant type: single nucleotide variant.
Coding change: c.1542G>A on transcript NM_014795.4 (MANE Select); coding-DNA position 1542, G replaced by A.
Protein change: p.Pro514=; no amino-acid change (proline 514 retained).
Molecular consequence: synonymous variant.
Genome position (GRCh38, 1-based): chr2:144,399,645, C>T on the plus strand (G>A on the coding strand, the complement: ZEB2 is on the minus strand). VCF-style: chr2-144399645-C-T. GRCh37 (hg19) VCF-style: chr2-145157212-C-T.
Other names: c.1470G>A, p.Pro490= (NM_001171653.2).
Identifiers: ClinVar variation 160318 (VCV000160318.21), dbSNP rs141674976, ClinGen allele CA173951.
Genomic context (GRCh38, chr2:144,399,645, plus strand): 5'-ATTGACTTTTTCCAACGTATAGTCAATAATACTTTTAGTGGCACCATTATGACTCACTAC[C>T]GGAAGACCGACAGGCGGAATATTAGGAGAAGTAACTCCTTGTTCCTCAGGTTGAGAGCAT-3'
Protein context (NP_055610.1, residues 504-524): TSPNIPPVGL[Pro514=]VVSHNGATKS